The following is an entry in ClinVar:

ClinVar aggregate classification (germline): Pathogenic (1 of 4 stars; one submission).

Conditions:
Autosomal recessive nonsyndromic hearing loss 3. Also called: NEUROSENSORY NONSYNDROMIC RECESSIVE DEAFNESS 3. Identifiers: Orphanet 90636, MedGen C1838263, MONDO:0010860, OMIM 600316.

Submission:

Institute of Rare Diseases, West China Hospital, Sichuan University
Classification: Pathogenic for Autosomal recessive nonsyndromic hearing loss 3. Last evaluated: 2025-01-09. Review status: criteria provided, single submitter. Criteria: ClinGen HL ACMG Specifications v1. Collection method: research. Allele origin: germline. Affected: yes.
Comment: PVS1;PM3;PM2_Supporting

NM_016239.4(MYO15A):c.3823C>T (p.Gln1275Ter)

Gene: MYO15A (myosin XVA; plus strand). Cytogenetic location: 17p11.2.
Variant type: single nucleotide variant.
Coding change: c.3823C>T on transcript NM_016239.4 (MANE Select); coding-DNA position 3823, C replaced by T.
Protein change: p.Gln1275Ter; replaces glutamine 1275 with a stop codon.
Molecular consequence: nonsense.
Genome position (GRCh38, 1-based): chr17:18,126,413, C>T. VCF-style: chr17-18126413-C-T. GRCh37 (hg19) VCF-style: chr17-18029727-C-T.
Other names: short protein forms Q1275*.
Identifiers: ClinVar variation 3601326 (VCV003601326.1).
Genomic context (GRCh38, chr17:18,126,413, plus strand): 5'-ATTGGGAGCATCCTGGTGTCGGTGAACCCATACCAAATGTTTGGAATCTATGGGCCGGAG[C>T]AGGTGCAGCAGTACAACGGACGGGCCCTGGGAGAGAATCCCCCGTGAGTGTCTCGGGGGC-3'